The following is an entry in ClinVar:

NM_001035.3(RYR2):c.4684-14T>C

Gene: RYR2 (ryanodine receptor 2; plus strand). Cytogenetic location: 1q43.
Variant type: single nucleotide variant.
Coding change: c.4684-14T>C on transcript NM_001035.3 (MANE Select); 14 bases into the intron before coding-DNA position 4684, T replaced by C.
Molecular consequence: intron variant.
Genome position (GRCh38, 1-based): chr1:237,610,748, T>C. VCF-style: chr1-237610748-T-C. GRCh37 (hg19) VCF-style: chr1-237774048-T-C.
Identifiers: ClinVar variation 3385728 (VCV003385728.2).

ClinVar aggregate classification (germline): Likely benign. Review status: criteria provided, multiple submitters, no conflicts (2 of 4 stars). 2 submissions from 2 submitters: Likely benign (2). Last evaluated 2024-06-09.

Conditions:
Cardiomyopathy (CMYO). Also called: Cardiomyopathies. Identifiers: Orphanet 167848, MedGen C0878544, MONDO:0004994, HP:0001638. Inheritance: Various modes of inheritance.
Catecholaminergic polymorphic ventricular tachycardia (CVPT). Also called: Catecholamine-induced polymorphic ventricular tachycardia. Identifiers: Orphanet 3286, MedGen C5574922, MONDO:0017990.

Submissions (2):

All of Us Research Program, National Institutes of Health
Classification: Likely benign for Catecholaminergic polymorphic ventricular tachycardia. Last evaluated: 2024-06-09. Review status: criteria provided, single submitter. Criteria: ACMG Guidelines, 2015. Collection method: clinical testing. Allele origin: germline. Inheritance: Autosomal dominant inheritance. Observed: 1 variant allele, 1 heterozygote.
Comment: This study involves interpretation of variants in research participants for the purpose of population health screening. Participant phenotype was not available at the time of variant classification. Additional details can be found in publication PMID: 35346344, PMCID: PMC8962531

Color Diagnostics, LLC DBA Color Health
Classification: Likely benign for Cardiomyopathy. Last evaluated: 2024-04-15. Review status: criteria provided, single submitter. Criteria: ACMG Guidelines, 2015. Collection method: clinical testing. Allele origin: germline.